The following is an entry in ClinVar:

NM_000264.5(PTCH1):c.2450A>C (p.His817Pro)

Genes: PTCH1 (patched 1; minus strand), LOC100507346 (uncharacterized LOC100507346; plus strand). Cytogenetic location: 9q22.32.
Variant type: single nucleotide variant.
Coding change: c.2450A>C on transcript NM_000264.5 (MANE Select); coding-DNA position 2450, A replaced by C.
Protein change: p.His817Pro; replaces histidine 817 with proline.
Molecular consequence: missense variant. On other transcripts: non-coding transcript variant (1).
Genome position (GRCh38, 1-based): chr9:95,467,226, T>G on the plus strand (A>C on the coding strand, the complement: PTCH1 is on the minus strand). VCF-style: chr9-95467226-T-G. GRCh37 (hg19) VCF-style: chr9-98229508-T-G.
Other names: c.2252A>C, p.His751Pro (NM_001083602.3); c.2447A>C, p.His816Pro (NM_001083603.3); c.1997A>C, p.His666Pro (NM_001083604.3, NM_001083605.3, NM_001083606.3 and 1 more transcripts); c.2294A>C, p.His765Pro (NM_001354918.2); short protein forms H666P, H751P, H765P, H816P, H817P.
Identifiers: ClinVar variation 1026988 (VCV001026988.12), dbSNP rs1564030723, ClinGen allele CA374114129.

ClinVar aggregate classification (germline): Uncertain significance (1 of 4 stars; one submission).

Conditions:
Gorlin syndrome. Also called: Nevoid Basal Cell Carcinoma Syndrome; Basal cell nevus syndrome. Identifiers: Orphanet 377, MedGen C0004779, MONDO:0007187.

Submission:

Labcorp Genetics (formerly Invitae), Labcorp
Classification: Uncertain significance for Gorlin syndrome. Last evaluated: 2024-04-08. Review status: criteria provided, single submitter. Criteria: Invitae Variant Classification Sherloc (09022015). Collection method: clinical testing. Allele origin: germline.
Comment: This sequence change replaces histidine, which is basic and polar, with proline, which is neutral and non-polar, at codon 817 of the PTCH1 protein (p.His817Pro). This variant is not present in population databases (gnomAD no frequency). This variant has not been reported in the literature in individuals affected with PTCH1-related conditions. ClinVar contains an entry for this variant (Variation ID: 1026988). Advanced modeling of protein sequence and biophysical properties (such as structural, functional, and spatial information, amino acid conservation, physicochemical variation, residue mobility, and thermodynamic stability) performed at Invitae indicates that this missense variant is not expected to disrupt PTCH1 protein function with a negative predictive value of 95%. In summary, the available evidence is currently insufficient to determine the role of this variant in disease. Therefore, it has been classified as a Variant of Uncertain Significance.